The following is an entry in ClinVar:

NM_170707.4(LMNA):c.274C>G (p.Leu92Val)

Gene: LMNA (lamin A/C; plus strand). Cytogenetic location: 1q22.
Variant type: single nucleotide variant.
Coding change: c.274C>G on transcript NM_170707.4 (MANE Select); coding-DNA position 274, C replaced by G.
Protein change: p.Leu92Val; replaces leucine 92 with valine.
Molecular consequence: missense variant.
Genome position (GRCh38, 1-based): chr1:156,115,192, C>G. VCF-style: chr1-156115192-C-G. GRCh37 (hg19) VCF-style: chr1-156084983-C-G.
Other names: c.274C>G, p.Leu92Val (NM_001282625.2, NM_001282626.2, NM_005572.4 and 1 more transcripts); c.274C>G (NM_170707.2); short protein forms L92V.
Identifiers: ClinVar variation 849968 (VCV000849968.13), dbSNP rs267607560, ClinGen allele CA342808563.

ClinVar aggregate classification (germline): Conflicting classifications of pathogenicity. Review status: criteria provided, conflicting classifications (1 of 4 stars). 3 submissions from 3 submitters: Likely pathogenic (1); Uncertain significance (2). Last evaluated 2024-02-22.

Conditions:
Cardiomyopathy (CMYO). Also called: Cardiomyopathies. Identifiers: Orphanet 167848, MedGen C0878544, MONDO:0004994, HP:0001638. Inheritance: Various modes of inheritance.
Cardiovascular phenotype. Identifiers: MedGen CN230736.
Charcot-Marie-Tooth disease type 2. Also called: Charcot-Marie-Tooth type 2. Identifiers: Orphanet 64746, MedGen C0270914, MONDO:0018993.

Allele frequency attached by ClinVar (database versions not stated): gnomAD exomes below 0.00001.

Submissions (3):

Ambry Genetics
Classification: Uncertain significance for Cardiovascular phenotype. Last evaluated: 2024-02-22. Review status: criteria provided, single submitter. Criteria: Ambry Variant Classification Scheme 2023. Collection method: clinical testing. Allele origin: germline.
Comment: The p.L92V variant (also known as c.274C>G), located in coding exon 1 of the LMNA gene, results from a C to G substitution at nucleotide position 274. The leucine at codon 92 is replaced by valine, an amino acid with highly similar properties. Another alteration at the same codon, p.L92F (c.274C>T), has been detected in individuals with dilated cardiomyopathy, arrhythmia, conduction system disease, and/or lipodystrophy (Caron M et al. Cell Death Differ, 2007 Oct;14:1759-67; Chami N et al. Can J Cardiol, 2014 Dec;30:1655-61; Marschall C et al. Cardiovasc Diagn Ther, 2019 Oct;9:S292-S298; Millat G et al. Eur J Med Genet Aug;54:e570-5). This amino acid position is highly conserved in available vertebrate species. In addition, this alteration is predicted to be deleterious by in silico analysis. Based on the available evidence, the clinical significance of this alteration remains unclear.

Labcorp Genetics (formerly Invitae), Labcorp
Classification: Likely pathogenic for Charcot-Marie-Tooth disease type 2. Last evaluated: 2023-06-26. Review status: criteria provided, single submitter. Criteria: Invitae Variant Classification Sherloc (09022015). Collection method: clinical testing. Allele origin: germline.
Comment: ClinVar contains an entry for this variant (Variation ID: 849968). Advanced modeling of protein sequence and biophysical properties (such as structural, functional, and spatial information, amino acid conservation, physicochemical variation, residue mobility, and thermodynamic stability) performed at Invitae indicates that this missense variant is expected to disrupt LMNA protein function. This variant disrupts the p.Leu92 amino acid residue in LMNA. Other variant(s) that disrupt this residue have been determined to be pathogenic (PMID: 17711925, 21846512; Invitae). This suggests that this residue is clinically significant, and that variants that disrupt this residue are likely to be disease-causing. In summary, the currently available evidence indicates that the variant is pathogenic, but additional data are needed to prove that conclusively. Therefore, this variant has been classified as Likely Pathogenic. This variant has not been reported in the literature in individuals affected with LMNA-related conditions. This sequence change replaces leucine, which is neutral and non-polar, with valine, which is neutral and non-polar, at codon 92 of the LMNA protein (p.Leu92Val). This variant is not present in population databases (gnomAD no frequency).

CHEO Genetics Diagnostic Laboratory, Children's Hospital of Eastern Ontario
Classification: Uncertain significance for Cardiomyopathy. Last evaluated: 2019-11-04. Review status: criteria provided, single submitter. Criteria: ACMG Guidelines, 2015. Collection method: clinical testing. Allele origin: germline.

Literature cited by the submitters: PubMed 17711925 (cited by Labcorp Genetics (formerly Invitae), Labcorp); PubMed 21846512 (cited by Labcorp Genetics (formerly Invitae), Labcorp).